The following is an entry in ClinVar:

NM_000285.4(PEPD):c.97C>T (p.Arg33Trp)

Gene: PEPD (peptidase D; minus strand). Cytogenetic location: 19q13.11.
Variant type: single nucleotide variant.
Coding change: c.97C>T on transcript NM_000285.4 (MANE Select); coding-DNA position 97, C replaced by T.
Protein change: p.Arg33Trp; replaces arginine 33 with tryptophan.
Molecular consequence: missense variant.
Genome position (GRCh38, 1-based): chr19:33,512,697, G>A on the plus strand (C>T on the coding strand, the complement: PEPD is on the minus strand). VCF-style: chr19-33512697-G-A. GRCh37 (hg19) VCF-style: chr19-34003603-G-A.
Other names: c.97C>T, p.Arg33Trp (NM_001166056.2, NM_001166057.2); short protein forms R33W.
Identifiers: ClinVar variation 1443595 (VCV001443595.4), dbSNP rs61734503, ClinGen allele CA9364496.

ClinVar aggregate classification (germline): Uncertain significance. Review status: criteria provided, multiple submitters, no conflicts (2 of 4 stars). 2 submissions from 2 submitters: Uncertain significance (2). Last evaluated 2024-10-17.

Allele frequency attached by ClinVar (database versions not stated): gnomAD exomes 0.00004 and 0.00014; TOPMed 0.00007; ExAC 0.00008; gnomAD 0.00008 and 0.00009; ESP Exome Variant Server 0.00016.
gnomAD v4.1: 216 of 1,613,838 alleles (0.013%); highest among the groups gnomAD compares: Non-Finnish European, 0.018%; no homozygotes.

Submissions (2):

Blueprint Genetics
Classification: Uncertain significance. Last evaluated: 2024-10-17. Review status: criteria provided, single submitter. Criteria: ACMG Guidelines, 2015. Collection method: clinical testing. Allele origin: germline.

Labcorp Genetics (formerly Invitae), Labcorp
Classification: Uncertain significance. Last evaluated: 2022-07-30. Review status: criteria provided, single submitter. Criteria: Invitae Variant Classification Sherloc (09022015). Collection method: clinical testing. Allele origin: germline.
Comment: This sequence change replaces arginine, which is basic and polar, with tryptophan, which is neutral and slightly polar, at codon 33 of the PEPD protein (p.Arg33Trp). This variant is present in population databases (rs61734503, gnomAD 0.009%). This variant has not been reported in the literature in individuals affected with PEPD-related conditions. ClinVar contains an entry for this variant (Variation ID: 1443595). Algorithms developed to predict the effect of missense changes on protein structure and function are either unavailable or do not agree on the potential impact of this missense change (SIFT: "Deleterious"; PolyPhen-2: "Probably Damaging"; Align-GVGD: "Class C0"). In summary, the available evidence is currently insufficient to determine the role of this variant in disease. Therefore, it has been classified as a Variant of Uncertain Significance.